The following is an entry in ClinVar:

ClinVar aggregate classification (germline): Uncertain significance (1 of 4 stars; one submission).

gnomAD v4.1: 4 of 1,580,640 alleles (0.00025%); highest among the groups gnomAD compares: South Asian, 0.0011%; no homozygotes.

Submission:

Labcorp Genetics (formerly Invitae), Labcorp
Classification: Uncertain significance. Last evaluated: 2024-08-19. Review status: criteria provided, single submitter. Criteria: Invitae Variant Classification Sherloc (09022015). Collection method: clinical testing. Allele origin: germline.
Comment: This sequence change replaces serine, which is neutral and polar, with leucine, which is neutral and non-polar, at codon 538 of the RELB protein (p.Ser538Leu). This variant is present in population databases (no rsID available, gnomAD 0.004%). This variant has not been reported in the literature in individuals affected with RELB-related conditions. An algorithm developed to predict the effect of missense changes on protein structure and function (PolyPhen-2) suggests that this variant is likely to be tolerated. In summary, the available evidence is currently insufficient to determine the role of this variant in disease. Therefore, it has been classified as a Variant of Uncertain Significance.

NM_006509.4(RELB):c.1613C>T (p.Ser538Leu)

Gene: RELB (RELB proto-oncogene, NF-kB subunit; plus strand). Cytogenetic location: 19q13.32.
Variant type: single nucleotide variant.
Coding change: c.1613C>T on transcript NM_006509.4 (MANE Select); coding-DNA position 1613, C replaced by T.
Protein change: p.Ser538Leu; replaces serine 538 with leucine.
Molecular consequence: missense variant.
Genome position (GRCh38, 1-based): chr19:45,037,663, C>T. VCF-style: chr19-45037663-C-T. GRCh37 (hg19) VCF-style: chr19-45540921-C-T.
Other names: c.1604C>T, p.Ser535Leu (NM_001411087.1); short protein forms S535L, S538L.
Identifiers: ClinVar variation 3686026 (VCV003686026.2).